The following is an entry in ClinVar:

NM_001130987.2(DYSF):c.3886C>T (p.Gln1296Ter)

Gene: DYSF (dysferlin; plus strand). Cytogenetic location: 2p13.2.
Variant type: single nucleotide variant.
Coding change: c.3886C>T on transcript NM_001130987.2 (MANE Select); coding-DNA position 3886, C replaced by T.
Protein change: p.Gln1296Ter; replaces glutamine 1296 with a stop codon.
Molecular consequence: nonsense.
Genome position (GRCh38, 1-based): chr2:71,600,831, C>T. VCF-style: chr2-71600831-C-T. GRCh37 (hg19) VCF-style: chr2-71827961-C-T.
Other names: NM_001130987.2(DYSF):c.3886C>T; p.Gln1296Ter; c.3835C>T, p.Gln1279Ter (NM_001130455.2, NM_001130983.2); c.3790C>T, p.Gln1264Ter (NM_001130976.2, NM_001130977.2); c.3832C>T, p.Gln1278Ter (NM_001130978.2, NM_003494.4); c.3925C>T, p.Gln1309Ter (NM_001130979.2); c.3883C>T, p.Gln1295Ter (NM_001130980.2, NM_001130981.2); c.3928C>T, p.Gln1310Ter (NM_001130982.2); and 2 more; short protein forms Q1278*, Q1296*, Q1264*, Q1310*, Q1295*, Q1265*, Q1279*, Q1309*.
Identifiers: ClinVar variation 167025 (VCV000167025.59), dbSNP rs727503911, ClinGen allele CA233937.
Genomic context (GRCh38, chr2:71,600,831, plus strand): 5'-TTCCCACTGACGAGGGGCAGCCAGCCGTCGGGGGAGCTGCTGGCCTCTTTTGAGCTCATC[C>T]AGAGAGAGAAGGTGAGGCTGGTCTATATCCAGATCCAGGAGGCCCAGGCAGGAGTGGGGT-3'

ClinVar aggregate classification (germline): Pathogenic. Review status: reviewed by expert panel (3 of 4 stars). 15 submissions from 15 submitters: Pathogenic (1). 14 of the submissions do not count toward it. Last evaluated 2025-03-06.

Conditions:
DYSF-related disorder. Also called: DYSF-related condition; DYSF-related disorders.
Autosomal recessive limb-girdle muscular dystrophy. Identifiers: Orphanet 102015, MedGen C2931907, MONDO:0015152.
Distal myopathy with anterior tibial onset. Identifiers: Orphanet 178400, MedGen C1847532, MONDO:0011721, OMIM 606768.
Miyoshi muscular dystrophy 1 (MMD1). Identifiers: Orphanet 45448, MedGen C4551973, MONDO:0024545, OMIM 254130.
Autosomal recessive limb-girdle muscular dystrophy type 2B (LGMDR2). Also called: Limb-Girdle Muscular Dystrophy Type 2B (LGMD2B); MUSCULAR DYSTROPHY, LIMB-GIRDLE, TYPE 3; Limb-girdle muscular dystrophy, type 2B; MUSCULAR DYSTROPHY, LIMB-GIRDLE, AUTOSOMAL RECESSIVE 2. Identifiers: Orphanet 268, MedGen C1850889, MONDO:0009676, OMIM 253601.
Neuromuscular disease caused by qualitative or quantitative defects of dysferlin. Also called: Dysferlinopathy; Qualitative or quantitative defects of dysferlin. Identifiers: Orphanet 207073, MedGen C2931687, MONDO:0016145.

Allele frequency attached by ClinVar (database versions not stated): gnomAD exomes 0.00001 and 0.00004; ExAC 0.00003; gnomAD 0.00003; TOPMed 0.00005.
gnomAD v4.1: 54 of 1,611,624 alleles (0.0034%); highest among the groups gnomAD compares: Non-Finnish European, 0.0044%; no homozygotes.

Submissions 1 to 9 of 15:

ClinGen Limb Girdle Muscular Dystrophy Variant Curation Expert Panel, ClinGen
Classification: Pathogenic for Autosomal recessive limb-girdle muscular dystrophy. Last evaluated: 2025-03-06. Review status: reviewed by expert panel. Criteria: ClinGen LGMD VCEP ACMG Specifications DYSF V1.0.0. Collection method: curation. Allele origin: germline. Inheritance: Autosomal recessive inheritance.
Comment: The NM_003494.4: c.3832C>T p.(Gln1278Ter) variant in DYSF, which is also known as NM_001130987.2: c.3886C>T p.(Gln1296Ter), is a nonsense variant predicted to cause a premature stop codon in biologically relevant exon 34/55, leading to nonsense mediated decay in a gene in which loss of function is an established disease mechanism (PVS1). This variant has been detected in at least five individuals with features of LGMD (PMID: 27602406, 36983702, 16010686, 17698709, 18853459), including in a homozygous state in one patient without reported familial consanguinity (0.5 pts, PMID: 16010686) and confirmed in trans with a pathogenic variant (NM_003494.4: c.1663C>T p.(Arg555Trp), 1.0 pt, PMID: 16010686). It was also identified in unknown phase with a pathogenic variant (NM_003494.4: c.857T>A p.(Val286Glu), 0.5 pts, PMID: 27602406) (PM3_Strong). At least one patient with this variant and a second presumed diagnostic DYSF variant displayed progressive limb girdle muscle weakness and absent dysferlin protein expression, which is highly specific for DYSF-associated LGMD (PP4_Strong, PMID: 16010686, 18853459). The filtering allele frequency (the upper threshold of the 95% CI of 48/1111982 exome chromosomes) is 0.000054905 for the European (non-Finnish) population in gnomAD v4.1.0, which is lower than the ClinGen LGMD VCEP threshold (<0.0001) for PM2_Supporting, and therefore meets this criterion (PM2_Supporting). In summary, this variant meets the criteria to be classified as Pathogenic for autosomal recessive limb-girdle muscular dystrophy based on the ACMG/AMP criteria applied, as specified by the ClinGen LGMD VCEP (LGMD VCEP specifications version 1.0.0; 03/06/2025): PVS1, PM3_Strong, PP4_Strong, PM2_Supporting.

PreventionGenetics, part of Exact Sciences
Classification: Pathogenic for DYSF-related condition. Last evaluated: 2025-09-09. Review status: criteria provided, single submitter. Criteria: ACMG Guidelines, 2015. Collection method: clinical testing. Allele origin: germline. Not counted in ClinVar's aggregate classification.
Comment: The DYSF c.3832C>T variant is predicted to result in premature protein termination (p.Gln1278*). This variant was reported in individuals with DYSF-related muscular dystrophy (Nguyen et al 2005. PubMed ID: 16010686; Klinge et al 2009. PubMed ID: 19528035; Moore et al 2021. PubMed ID: 33610434; Stehlíková et al 2014. PubMed ID: 25135358). This variant is reported in 0.0080% of alleles in individuals of African descent in gnomAD. Nonsense variants in DYSF are expected to be pathogenic. This variant is interpreted as pathogenic.

Women's Health and Genetics/Laboratory Corporation of America, LabCorp
Classification: Pathogenic for Autosomal recessive limb-girdle muscular dystrophy type 2B. Last evaluated: 2025-06-30. Review status: criteria provided, single submitter. Criteria: LabCorp Variant Classification Summary - May 2015. Collection method: clinical testing. Allele origin: germline. Not counted in ClinVar's aggregate classification.
Comment: Variant summary: DYSF c.3832C>T (p.Gln1278X) results in a premature termination codon, predicted to cause a truncation of the encoded protein or absence of the protein due to nonsense mediated decay, which are commonly known mechanisms for disease. The variant allele was found at a frequency of 1.2e-05 in 247724 control chromosomes. c.3832C>T has been observed in individual(s) affected with Autosomal recessive limb-girdle muscular dystrophy type 2B and Miyoshi myopathy (example, Nguyen_2005). These data indicate that the variant is likely to be associated with disease. To our knowledge, no experimental evidence demonstrating an impact on protein function has been reported. The following publication has been ascertained in the context of this evaluation (PMID: 16010686). ClinVar contains an entry for this variant (Variation ID: 167025). Based on the evidence outlined above, the variant was classified as pathogenic.

Revvity Omics, Revvity
Classification: Pathogenic. Last evaluated: 2025-06-19. Review status: criteria provided, single submitter. Criteria: ACMG Guidelines, 2015. Collection method: clinical testing. Allele origin: germline. Not counted in ClinVar's aggregate classification.

GeneDx
Classification: Pathogenic. Last evaluated: 2025-05-12. Review status: criteria provided, single submitter. Criteria: GeneDx Variant Classification Process June 2021. Collection method: clinical testing. Allele origin: germline. Affected: yes. Not counted in ClinVar's aggregate classification.
Comment: Nonsense variant predicted to result in protein truncation or nonsense mediated decay in a gene for which loss of function is a known mechanism of disease; Not observed at significant frequency in large population cohorts (gnomAD); This variant is associated with the following publications: (PMID: 25525159, 33927379, 37526466, 36983702, 31589614, 16010686, 17698709, 18853459, 33610434, 19528035, 25135358)

Labcorp Genetics (formerly Invitae), Labcorp
Classification: Pathogenic for Neuromuscular disease caused by qualitative or quantitative defects of dysferlin. Last evaluated: 2025-03-19. Review status: criteria provided, single submitter. Criteria: Invitae Variant Classification Sherloc (09022015). Collection method: clinical testing. Allele origin: germline. Not counted in ClinVar's aggregate classification.
Comment: This sequence change creates a premature translational stop signal (p.Gln1278*) in the DYSF gene. It is expected to result in an absent or disrupted protein product. Loss-of-function variants in DYSF are known to be pathogenic (PMID: 17698709, 20301480). This variant is present in population databases (rs727503911, gnomAD 0.008%). This premature translational stop signal has been observed in individual(s) with distal myopathy (PMID: 16010686, 17698709, 25135358). ClinVar contains an entry for this variant (Variation ID: 167025). For these reasons, this variant has been classified as Pathogenic.

Natera, Inc.
Classification: Pathogenic for Limb-girdle muscular dystrophy type 2B. Last evaluated: 2024-04-12. Review status: criteria provided, single submitter. Criteria: Natera Variant Classification Schema (03/2026). Collection method: clinical testing. Allele origin: germline. Not counted in ClinVar's aggregate classification.
Comment: The c.3832C>T variant in DYSF is a nonsense variant predicted to introduce a stop codon at amino acid 1278. This variant is expected to result in nonsense mediated decay, truncation, or a dysfunctional protein product. This variant is rare in the general population with a frequency below the threshold expected for the associated phenotype(s). This variant has been observed in one or more individuals affected with the associated recessive disease, as either homozygous or compound heterozygous with a second variant (PMID: 16010686). Given the available evidence, this variant is classified as Pathogenic.

Baylor Genetics
Classification: Pathogenic for Miyoshi muscular dystrophy 1. Last evaluated: 2024-03-13. Review status: criteria provided, single submitter. Criteria: ACMG Guidelines, 2015. Collection method: clinical testing. Allele origin: unknown. Not counted in ClinVar's aggregate classification.

Neuberg Centre For Genomic Medicine, NCGM
Classification: Pathogenic for Autosomal recessive limb-girdle muscular dystrophy type 2B. Last evaluated: 2023-05-20. Review status: criteria provided, single submitter. Criteria: ACMG Guidelines, 2015. Collection method: clinical testing. Allele origin: germline. Inheritance: Autosomal recessive inheritance. Affected: yes. Not counted in ClinVar's aggregate classification.
Comment: The observed stop gained c.3886C>T(p.Gln1296Ter) variant in DYSF gene has been reported previously in homozygous or compound heterozygous state in individual(s) affected with limb-girdle muscular dystrophies (LGMD2) (Stehlíková et al., 2014; Rufibach et al., 2023). This variant is reported with the allele frequency of 0.001% in the gnomAD Exomes. This variant has been reported to the ClinVar database as Pathogenic (multiple submitters). This variant is predicted to cause loss of normal protein function either through protein truncation or nonsense-mediated mRNA decay. It is expected to result in an absent or disrupted protein product. Loss-of-function variants in DYSF are known to be pathogenic (Nguyen et al., 2007). Computational evidence (MutationTaster - Disease causing automatic) predicts damaging effect on protein structure and function for this variant. For these reasons, this variant has been classified as Pathogenic.